The following is an entry in ClinVar:

ClinVar aggregate classification (germline): Pathogenic. Review status: reviewed by expert panel (3 of 4 stars). 12 submissions from 11 submitters: Pathogenic (1). 11 of the submissions do not count toward it. Last evaluated 2021-05-23.

Conditions:
POLG-related disorder. Also called: POLG-Related Spectrum Disorders; POLG-related condition; POLG-Related Disorders. Identifiers: MedGen C4763519.
Progressive sclerosing poliodystrophy (MTDPS4A). Also called: Mitochondrial DNA Depletion Syndrome 4A; ALPERS PROGRESSIVE INFANTILE POLIODYSTROPHY; ALPERS DIFFUSE DEGENERATION OF CEREBRAL GRAY MATTER WITH HEPATIC CIRRHOSIS; Alpers-Huttenlocher Syndrome; Mitochondrial DNA depletion syndrome 4A (Alpers type); NEURONAL DEGENERATION OF CHILDHOOD WITH LIVER DISEASE, PROGRESSIVE. Identifiers: Orphanet 726, MedGen C0205710, MONDO:0008758, OMIM 203700.
Sensory ataxic neuropathy, dysarthria, and ophthalmoparesis (SANDO). Also called: Sensory ataxic neuropathy-dysarthria-ophthalmoparesis syndrome; Epilepsy, progressive myoclonic, type 5; SENSORY ATAXIC NEUROPATHY WITH MITOCHONDRIAL DNA DELETIONS, AUTOSOMAL RECESSIVE; Ataxia Neuropathy Spectrum (ANS). Identifiers: Orphanet 70595, MedGen C1843851, MONDO:0011835, OMIM 607459.
Progressive external ophthalmoplegia with mitochondrial DNA deletions, autosomal recessive 1 (PEOB1). Also called: Progressive external ophthalmoplegia, autosomal recessive 1; Autosomal Recessive Progressive External Ophthalmoplegia (arPEO). Identifiers: Orphanet 254886, MedGen C4225153, MONDO:0009783, OMIM 258450.
Mitochondrial DNA depletion syndrome 4b. Also called: Mitochondrial Neurogastrointestinal Encephalopathy Disease, POLG-Related; MNGIE, POLG-RELATED. Identifiers: Orphanet 298, MedGen C3150914, MONDO:0013350, OMIM 613662.
Progressive external ophthalmoplegia with mitochondrial DNA deletions, autosomal dominant 1 (PEOA1). Also called: PROGRESSIVE EXTERNAL OPHTHALMOPLEGIA, AUTOSOMAL DOMINANT 1; Autosomal Dominant Progressive External Ophthalmoplegia (adPEO). Identifiers: MedGen C1834846, MONDO:0024528, OMIM 157640.
Autosomal recessive POLG-related disorders.
Possible mitochondrial disorder - nuclear genes.
Mitochondrial DNA maintenance disorder.
Inborn genetic diseases. Identifiers: MedGen C0950123, MeSH D030342.
Mitochondrial disease. Also called: Mitochondrial disorder; Mitochondrial disorders. Identifiers: Orphanet 68380, MedGen C0751651, MeSH D028361, MONDO:0044970.

Allele frequency attached by ClinVar (database versions not stated): gnomAD exomes 0.00001 and below 0.00001; gnomAD 0.00001; TOPMed below 0.00001.
gnomAD v4.1: 4 of 1,613,976 alleles (0.00025%); highest among the groups gnomAD compares: Admixed American, 0.0033%; no homozygotes.

Submissions 1 to 8 of 12:

ClinGen Mitochondrial Disease Nuclear and Mitochondrial  Variant Curation Expert Panel, ClinGen
Classification: Pathogenic for Mitochondrial disease. Last evaluated: 2021-05-23. Review status: reviewed by expert panel. Criteria: clingen mito disease acmg specifications v1-1. Collection method: curation. Allele origin: germline. Inheritance: Autosomal recessive inheritance.
Comment: The c.3550 G>A (p.Asp1184Asn) variant in POLG has been reported in gnomAD in 0.0001% allele frequency with no homozygotes (PM2). There is also multiple other pathogenic variants at the same amino acid residue as well as nearby: Asp1184His, Ile1185Thr, Ile1185Asn, Asp1186His, and Cys1188Arg all have been reported in the Human Gene Mutation Database in association with POLG-related disorders (PS1; PMID 24077912). There are 5 cases reported with POLG related disease symptoms PEO, neurological phenotype, liver issues, and epilepsy. These cases are reported in 2 compound heterozygotes with c.679 C>T; p.Arg227Trp, a compound heterozygote with c.752 C>T; p.Thr251Ile and c.1759 C>T; p.Pro587Leu; a compound heterozygote with c.3285 C>G; p.Ser1095Arg (PM3_strong; PMID:16957900; PMID:30678510; PMID:19344718; PMID:19578034).There is 1 additional case in the literature as a compound heterozygotes however there is conflicting evidence of pathogenicity of the variant. Therefore this case could not be counted (PMID: 16401742). In summary, this variant meets criteria to be classified as pathogenic for mitochondrial disease inherited in an autosomal recessive manner. ntDNA ACMG/AMP criteria for POLG applied: PS1, PM2, PM3_strong

Genetics Laboratory, Great Ormond Street Hospital NHS Foundation Trust, North Thames Genomic Laboratory Hub
Classification: Likely pathogenic for Possible mitochondrial disorder - nuclear genes. Last evaluated: 2026-09-25. Review status: criteria provided, single submitter. Criteria: ACGS Best Practice Guidelines for Variant Classification in Rare Disease 2024 v1.2. Collection method: clinical testing. Allele origin: germline. Affected: yes. Not counted in ClinVar's aggregate classification.
Comment: PM2_moderate, PP3_supporting, PM3_strong

Genetics Laboratory, Great Ormond Street Hospital NHS Foundation Trust, North Thames Genomic Laboratory Hub
Classification: Likely pathogenic for Mitochondrial DNA maintenance disorder. Last evaluated: 2026-09-25. Review status: criteria provided, single submitter. Criteria: ACGS Best Practice Guidelines for Variant Classification in Rare Disease 2024 v1.2. Collection method: clinical testing. Allele origin: germline. Affected: yes. Not counted in ClinVar's aggregate classification.
Comment: the same text as in the submission from Genetics Laboratory, Great Ormond Street Hospital NHS Foundation Trust, North Thames Genomic Laboratory Hub above.

Variantyx, Inc.
Classification: Pathogenic for Autosomal recessive POLG-related disorders. Last evaluated: 2026-01-08. Review status: criteria provided, single submitter. Criteria: Variantyx Assertion Criteria 2022. Collection method: clinical testing. Allele origin: germline. Inheritance: Autosomal recessive inheritance. Affected: no. Not counted in ClinVar's aggregate classification.
Comment: This is a nonsynonymous variant in the POLG gene (OMIM: 174763). Pathogenic variants in this gene have been associated with autosomal recessive POLG-related disorders. This variant has been identified in the homozygous or compound heterozygous state in several individuals reported in the published literature (PMID: 16957900, 19344718, 19578034, 16957900, 28471437, 16401742, 30678510, 17452231, 28812649) (PM3). Computational algorithms produce conflicting evidence regarding the predicted functional impact of this variant (REVEL score: 0.741), butfFunctional studies have shown that this variant alters POLG protein function (PMID: 32234506, 20185557) (PS3_Moderate). This variant has a 0.0033% maximum allele frequency in non-founder control populations (PM2_Moderate).Based on the current evidence, this variant is classified as pathogenic for autosomal recessive POLG-related disorders.

Labcorp Genetics (formerly Invitae), Labcorp
Classification: Pathogenic for Progressive sclerosing poliodystrophy. Last evaluated: 2025-11-19. Review status: criteria provided, single submitter. Criteria: Invitae Variant Classification Sherloc (09022015). Collection method: clinical testing. Allele origin: germline. Not counted in ClinVar's aggregate classification.
Comment: This sequence change replaces aspartic acid, which is acidic and polar, with asparagine, which is neutral and polar, at codon 1184 of the POLG protein (p.Asp1184Asn). The frequency data for this variant in the population databases is considered unreliable, as metrics indicate poor data quality at this position in the gnomAD database. This missense change has been observed in individuals with autosomal recessive POLG-related disorders (PMID: 16401742, 16957900, 19578034, 30678510). It has also been observed to segregate with disease in related individuals. ClinVar contains an entry for this variant (Variation ID: 426100). Invitae Evidence Modeling of protein sequence and biophysical properties (such as structural, functional, and spatial information, amino acid conservation, physicochemical variation, residue mobility, and thermodynamic stability) indicates that this missense variant is expected to disrupt POLG protein function with a positive predictive value of 95%. Experimental studies have shown that this missense change affects POLG function (PMID: 20185557). For these reasons, this variant has been classified as Pathogenic.

Blueprint Genetics
Classification: Pathogenic for POLG-related disorders. Last evaluated: 2024-01-15. Review status: criteria provided, single submitter. Criteria: ACMG Guidelines, 2015. Collection method: clinical testing. Allele origin: germline. Affected: yes. Observed: 1 variant allele. Not counted in ClinVar's aggregate classification.

Fulgent Genetics
Classification: Pathogenic for Progressive external ophthalmoplegia with mitochondrial DNA deletions, autosomal dominant 1; Progressive sclerosing poliodystrophy; Progressive external ophthalmoplegia with mitochondrial DNA deletions, autosomal recessive 1; Sensory ataxic neuropathy, dysarthria, and ophthalmoparesis; Mitochondrial DNA depletion syndrome 4b. Last evaluated: 2024-01-10. Review status: criteria provided, single submitter. Criteria: ACMG Guidelines, 2015. Collection method: clinical testing. Allele origin: germline. Not counted in ClinVar's aggregate classification.

Baylor Genetics
Classification: Pathogenic for Progressive sclerosing poliodystrophy. Last evaluated: 2023-05-06. Review status: criteria provided, single submitter. Criteria: ACMG Guidelines, 2015. Collection method: clinical testing. Allele origin: unknown. Not counted in ClinVar's aggregate classification.

NM_002693.3(POLG):c.3550G>A (p.Asp1184Asn)

Gene: POLG (DNA polymerase gamma, catalytic subunit; minus strand). Cytogenetic location: 15q26.1.
Variant type: single nucleotide variant.
Coding change: c.3550G>A on transcript NM_002693.3 (MANE Select); coding-DNA position 3550, G replaced by A.
Protein change: p.Asp1184Asn; replaces aspartic acid 1184 with asparagine.
Molecular consequence: missense variant.
Genome position (GRCh38, 1-based): chr15:89,317,469, C>T on the plus strand (G>A on the coding strand, the complement: POLG is on the minus strand). VCF-style: chr15-89317469-C-T. GRCh37 (hg19) VCF-style: chr15-89860700-C-T.
Other names: NM_002693.2(POLG):c.3550G>A; p.Asp1184Asn; c.3550G>A, p.Asp1184Asn (NM_001126131.2); short protein forms D1184N.
Identifiers: ClinVar variation 426100 (VCV000426100.19), dbSNP rs1131691575, ClinGen allele CA393747667.
Genomic context (GRCh38, chr15:89,317,469, plus strand): 5'-TTGGGTTGGAAGGGGTTTTACAATCCATGGTCACTTCCTTCCTGAGGCACCGGTCAATAT[C>T]GACTGCACTGAAAAAGGCGACTGACTGGGGCAAGTCATTCAGACCCAGCTTGTAGGCAAA-3'
Protein context (NP_002684.1, residues 1174-1194): PQSVAFFSAV[Asp1184Asn]IDRCLRKEVT